The following is an entry in ClinVar:

NM_001040108.2(MLH3):c.3884G>A (p.Ser1295Asn)

Gene: MLH3 (mutL homolog 3; minus strand). Cytogenetic location: 14q24.3.
Variant type: single nucleotide variant.
Coding change: c.3884G>A on transcript NM_001040108.2 (MANE Select); coding-DNA position 3884, G replaced by A.
Protein change: p.Ser1295Asn; replaces serine 1295 with asparagine.
Molecular consequence: missense variant.
Genome position (GRCh38, 1-based): chr14:75,030,646, C>T on the plus strand (G>A on the coding strand, the complement: MLH3 is on the minus strand). VCF-style: chr14-75030646-C-T. GRCh37 (hg19) VCF-style: chr14-75497349-C-T.
Other names: c.3812G>A, p.Ser1271Asn (NM_014381.3); short protein forms S1271N, S1295N.
Identifiers: ClinVar variation 1735830 (VCV001735830.2), dbSNP rs2139386286, ClinGen allele CA390422952.

ClinVar aggregate classification (germline): Uncertain significance (1 of 4 stars; one submission).

Submission:

Ambry Genetics
Classification: Uncertain significance. Last evaluated: 2023-10-17. Review status: criteria provided, single submitter. Criteria: Ambry Variant Classification Scheme 2023. Collection method: clinical testing. Allele origin: germline.
Comment: The p.S1295N variant (also known as c.3884G>A), located in coding exon 8 of the MLH3 gene, results from a G to A substitution at nucleotide position 3884. The serine at codon 1295 is replaced by asparagine, an amino acid with highly similar properties. This amino acid position is conserved. In addition, this alteration is predicted to be tolerated by in silico analysis. Since supporting evidence is limited at this time, the clinical significance of this alteration remains unclear.